The following is an entry in ClinVar:

ClinVar aggregate classification (germline): Benign/Likely benign. Review status: criteria provided, multiple submitters, no conflicts (2 of 4 stars). 7 submissions from 7 submitters: Benign (2); Likely benign (2). 3 of the submissions do not count toward it. Last evaluated 2026-01-01.

Allele frequency attached by ClinVar (database versions not stated): 1000 Genomes Project 30x 0.00468; 1000 Genomes Project 0.00499; TOPMed 0.01279; gnomAD exomes 0.01440; ExAC 0.01448; gnomAD 0.01449; ESP Exome Variant Server 0.01545.
gnomAD v4.1: 27,740 of 1,613,730 alleles (1.7%); highest among the groups gnomAD compares: Non-Finnish European, 2.1%; 311 homozygotes.

Submissions (7):

CeGaT Center for Human Genetics Tuebingen
Classification: Benign. Last evaluated: 2026-01-01. Review status: criteria provided, single submitter. Criteria: CeGaT Center For Human Genetics Tuebingen Variant Classification Criteria Version 2. Collection method: clinical testing. Allele origin: germline. Affected: yes. Observed: 8 variant alleles.
Comment: ECEL1: BS1, BS2

GeneDx
Classification: Likely benign. Last evaluated: 2021-02-27. Review status: criteria provided, single submitter. Criteria: GeneDx Variant Classification Process June 2021. Collection method: clinical testing. Allele origin: germline. Affected: yes.

PreventionGenetics, part of Exact Sciences
Classification: Benign. Last evaluated: 2016-04-22. Review status: criteria provided, single submitter. Criteria: ACMG Guidelines, 2015. Collection method: clinical testing. Allele origin: germline.

Breakthrough Genomics
Classification: Likely benign. Review status: criteria provided, single submitter. Criteria: ACMG Guidelines, 2015. Collection method: not provided. Allele origin: germline. Inheritance: Autosomal recessive inheritance. Affected: yes.

Clinical Genetics, Academic Medical Center
Classification: Benign. Review status: no assertion criteria provided. Collection method: clinical testing. Allele origin: germline. Affected: yes. Study: VKGL Data-share Consensus. Not counted in ClinVar's aggregate classification.

Genetic Services Laboratory, University of Chicago
Classification: Likely benign for AllHighlyPenetrant. Review status: no assertion criteria provided. Collection method: clinical testing. Allele origin: germline. Inheritance: Autosomal recessive inheritance. Not counted in ClinVar's aggregate classification.
Comment: Likely benign based on allele frequency in 1000 Genomes Project or ESP global frequency and its presence in a patient with a rare or unrelated disease phenotype. NOT Sanger confirmed.

Laboratory of Diagnostic Genome Analysis, Leiden University Medical Center (LUMC)
Classification: Likely benign. Review status: no assertion criteria provided. Collection method: clinical testing. Allele origin: germline. Affected: yes. Study: VKGL Data-share Consensus. Not counted in ClinVar's aggregate classification.

NM_004826.4(ECEL1):c.1267G>C (p.Glu423Gln)

Gene: ECEL1 (endothelin converting enzyme like 1; minus strand). Cytogenetic location: 2q37.1.
Variant type: single nucleotide variant.
Coding change: c.1267G>C on transcript NM_004826.4 (MANE Select); coding-DNA position 1267, G replaced by C.
Protein change: p.Glu423Gln; replaces glutamic acid 423 with glutamine.
Molecular consequence: missense variant.
Genome position (GRCh38, 1-based): chr2:232,484,141, C>G on the plus strand (G>C on the coding strand, the complement: ECEL1 is on the minus strand). VCF-style: chr2-232484141-C-G. GRCh37 (hg19) VCF-style: chr2-233348851-C-G.
Other names: c.1267G>C, p.Glu423Gln (NM_001290787.2); short protein forms E423Q.
Identifiers: ClinVar variation 128950 (VCV000128950.25), dbSNP rs41265123, ClinGen allele CA152671.